The following is an entry in ClinVar:

ClinVar aggregate classification (germline): Uncertain significance (1 of 4 stars; one submission).

Conditions:
Autosomal recessive spinocerebellar ataxia 12. Also called: SPINOCEREBELLAR ATAXIA WITH MENTAL RETARDATION AND EPILEPSY. Identifiers: Orphanet 284282, MedGen C3280452, MONDO:0013687, OMIM 614322.
Developmental and epileptic encephalopathy, 1 (DEE1). Also called: X-linked infantile spasms; West's syndrome; Tonic spasms with clustering, arrest of psychomotor development and hypsarrhythmia on EEG; X-Linked Infantile Spasm Syndrome; OHTAHARA SYNDROME, X-LINKED; INFANTILE SPASM SYNDROME, X-LINKED 1. Identifiers: MedGen C3463992, MONDO:0010632, OMIM 308350. Disease mechanism: loss of function.

gnomAD v4.1: 1 of 1,614,218 alleles (0.000062%); highest among the groups gnomAD compares: Non-Finnish European, 0.000085%; no homozygotes.

Submission:

Labcorp Genetics (formerly Invitae), Labcorp
Classification: Uncertain significance for Developmental and epileptic encephalopathy, 1; Autosomal recessive spinocerebellar ataxia 12. Last evaluated: 2022-08-16. Review status: criteria provided, single submitter. Criteria: Invitae Variant Classification Sherloc (09022015). Collection method: clinical testing. Allele origin: germline.
Comment: This sequence change replaces threonine, which is neutral and polar, with proline, which is neutral and non-polar, at codon 339 of the WWOX protein (p.Thr339Pro). This variant is not present in population databases (gnomAD no frequency). This variant has not been reported in the literature in individuals affected with WWOX-related conditions. ClinVar contains an entry for this variant (Variation ID: 1468695). Algorithms developed to predict the effect of missense changes on protein structure and function are either unavailable or do not agree on the potential impact of this missense change (SIFT: "Not Available"; PolyPhen-2: "Benign"; Align-GVGD: "Not Available"). In summary, the available evidence is currently insufficient to determine the role of this variant in disease. Therefore, it has been classified as a Variant of Uncertain Significance.

NM_016373.4(WWOX):c.1015A>C (p.Thr339Pro)

Gene: WWOX (WW domain containing oxidoreductase; plus strand). Cytogenetic location: 16q23.1.
Variant type: single nucleotide variant.
Coding change: c.1015A>C on transcript NM_016373.4 (MANE Select); coding-DNA position 1015, A replaced by C.
Protein change: p.Thr339Pro; replaces threonine 339 with proline.
Molecular consequence: missense variant.
Genome position (GRCh38, 1-based): chr16:78,432,711, A>C. VCF-style: chr16-78432711-A-C. GRCh37 (hg19) VCF-style: chr16-78466608-A-C.
Other names: c.676A>C, p.Thr226Pro (NM_001291997.2); short protein forms T226P, T339P.
Identifiers: ClinVar variation 1468695 (VCV001468695.5), dbSNP rs1429449710, ClinGen allele CA396843464.
Genomic context (GRCh38, chr16:78,432,711, plus strand): 5'-AACGCAGTGCATCCTGGAAATATGATGTACTCCAACATTCATCGCAGCTGGTGGGTGTAC[A>C]CACTGCTGTTTACCTTGGCGAGGCCTTTCACCAAGTCCATGGTAAGAGAACAGCTTCTGG-3'
Protein context (NP_057457.1, residues 329-349): SNIHRSWWVY[Thr339Pro]LLFTLARPFT